The following is an entry in ClinVar:

NM_024678.6(NARS2):c.1095C>T (p.Phe365=)

Gene: NARS2 (asparaginyl-tRNA synthetase 2, mitochondrial; minus strand). Cytogenetic location: 11q14.1.
Variant type: single nucleotide variant.
Coding change: c.1095C>T on transcript NM_024678.6 (MANE Select); coding-DNA position 1095, C replaced by T.
Protein change: p.Phe365=; no amino-acid change (phenylalanine 365 retained).
Molecular consequence: synonymous variant.
Genome position (GRCh38, 1-based): chr11:78,465,945, G>A on the plus strand (C>T on the coding strand, the complement: NARS2 is on the minus strand). VCF-style: chr11-78465945-G-A. GRCh37 (hg19) VCF-style: chr11-78176991-G-A.
Other names: p.Phe365=; c.414C>T, p.Phe138= (NM_001243251.2).
Identifiers: ClinVar variation 381456 (VCV000381456.14), dbSNP rs117996746, ClinGen allele CA6205586.

ClinVar aggregate classification (germline): Benign/Likely benign. Review status: criteria provided, multiple submitters, no conflicts (2 of 4 stars). 4 submissions from 4 submitters: Benign (3); Likely benign (1). Last evaluated 2026-01-02.

Allele frequency attached by ClinVar (database versions not stated): ESP Exome Variant Server 0.00023; TOPMed 0.00126; gnomAD 0.00131; ExAC 0.00146; gnomAD exomes 0.00168; 1000 Genomes Project 30x 0.00437; 1000 Genomes Project 0.00499.
gnomAD v4.1: 1,165 of 1,613,904 alleles (0.072%); highest among the groups gnomAD compares: East Asian, 2.3%; 13 homozygotes.

Submissions (4):

Labcorp Genetics (formerly Invitae), Labcorp
Classification: Benign. Last evaluated: 2026-01-02. Review status: criteria provided, single submitter. Criteria: Invitae Variant Classification Sherloc (09022015). Collection method: clinical testing. Allele origin: germline.

Mayo Clinic Laboratories, Mayo Clinic
Classification: Benign. Last evaluated: 2025-03-13. Review status: criteria provided, single submitter. Criteria: ACMG Guidelines, 2015. Collection method: clinical testing. Allele origin: germline. Observed: 1 variant allele.
Comment: BA1, BS2, BP4, BP7

Blueprint Genetics
Classification: Likely benign. Last evaluated: 2024-11-11. Review status: criteria provided, single submitter. Criteria: ACMG Guidelines, 2015. Collection method: clinical testing. Allele origin: germline.

GeneDx
Classification: Benign. Last evaluated: 2021-02-04. Review status: criteria provided, single submitter. Criteria: GeneDx Variant Classification Process June 2021. Collection method: clinical testing. Allele origin: germline. Affected: yes.